The following is an entry in ClinVar:

ClinVar aggregate classification (germline): Pathogenic (1 of 4 stars; one submission).

Submission:

Labcorp Genetics (formerly Invitae), Labcorp
Classification: Pathogenic. Last evaluated: 2022-08-06. Review status: criteria provided, single submitter. Criteria: Invitae Variant Classification Sherloc (09022015). Collection method: clinical testing. Allele origin: germline.
Comment: This sequence change replaces valine, which is neutral and non-polar, with glycine, which is neutral and non-polar, at codon 73 of the EIF2B5 protein (p.Val73Gly). For these reasons, this variant has been classified as Pathogenic. Experimental studies have shown that this missense change affects EIF2B5 function (PMID: 14993275, 15054402, 21560189). Advanced modeling of protein sequence and biophysical properties (such as structural, functional, and spatial information, amino acid conservation, physicochemical variation, residue mobility, and thermodynamic stability) performed at Invitae indicates that this missense variant is expected to disrupt EIF2B5 protein function. This missense change has been observed in individuals with leukoencephalopathy with vanishing white matter (PMID: 11704758, 15136673). This variant is not present in population databases (gnomAD no frequency).

Literature cited by the submitters: PubMed 14993275; PubMed 15054402; PubMed 21560189; PubMed 11704758; PubMed 15136673.

NM_003907.3(EIF2B5):c.218T>G (p.Val73Gly)

Gene: EIF2B5 (eukaryotic translation initiation factor 2B subunit epsilon; plus strand). Cytogenetic location: 3q27.1.
Variant type: single nucleotide variant.
Coding change: c.218T>G on transcript NM_003907.3 (MANE Select); coding-DNA position 218, T replaced by G.
Protein change: p.Val73Gly; replaces valine 73 with glycine.
Molecular consequence: missense variant.
Genome position (GRCh38, 1-based): chr3:184,136,634, T>G. VCF-style: chr3-184136634-T-G. GRCh37 (hg19) VCF-style: chr3-183854422-T-G.
Other names: short protein forms V73G.
Identifiers: ClinVar variation 2203468 (VCV002203468.4), dbSNP rs113994045, ClinGen allele CA88840226.
Genomic context (GRCh38, chr3:184,136,634, plus strand): 5'-TCGAGACCTCAAGTTTTTTTTCATCTTGTATCCTTCAGGTCCTCTTGCCCCTGGCCAATG[T>G]GGCATTAATTGACTACACTCTGGAATTCCTGACTGCCACAGGTGTACAGGAAACATTTGT-3'
Protein context (NP_003898.2, residues 63-83): QPRVLLPLAN[Val73Gly]ALIDYTLEFL